The following is an entry in ClinVar:

ClinVar aggregate classification (germline): Uncertain significance (1 of 4 stars; one submission).

Conditions:
Hereditary cancer-predisposing syndrome. Also called: Neoplastic Syndromes, Hereditary; Tumor predisposition; Hereditary Cancer Syndrome; Hereditary neoplastic syndrome. Identifiers: Orphanet 140162, MedGen C0027672, MeSH D009386, MONDO:0015356.

Submission:

Ambry Genetics
Classification: Uncertain significance for Hereditary cancer-predisposing syndrome. Last evaluated: 2021-09-14. Review status: criteria provided, single submitter. Criteria: Ambry Variant Classification Scheme 2023. Collection method: clinical testing. Allele origin: germline.
Comment: The p.K610Q variant (also known as c.1828A>C), located in coding exon 4 of the MSH6 gene, results from an A to C substitution at nucleotide position 1828. The lysine at codon 610 is replaced by glutamine, an amino acid with similar properties. This amino acid position is well conserved in available vertebrate species. In addition, the in silico prediction for this alteration is inconclusive. Since supporting evidence is limited at this time, the clinical significance of this alteration remains unclear.

NM_000179.3(MSH6):c.1828A>C (p.Lys610Gln)

Gene: MSH6 (mutS homolog 6; plus strand). Cytogenetic location: 2p16.3.
Variant type: single nucleotide variant.
Coding change: c.1828A>C on transcript NM_000179.3 (MANE Select); coding-DNA position 1828, A replaced by C.
Protein change: p.Lys610Gln; replaces lysine 610 with glutamine.
Molecular consequence: missense variant.
Genome position (GRCh38, 1-based): chr2:47,799,811, A>C. VCF-style: chr2-47799811-A-C. GRCh37 (hg19) VCF-style: chr2-48026950-A-C.
Other names: c.1438A>C, p.Lys480Gln (NM_001281492.2); c.922A>C, p.Lys308Gln (NM_001281493.2, NM_001281494.2, NM_001406811.1 and 6 more transcripts); c.1924A>C, p.Lys642Gln (NM_001406795.1, NM_001406802.1); c.1828A>C, p.Lys610Gln (NM_001406796.1, NM_001406798.1, NM_001406800.1 and 3 more transcripts); c.1531A>C, p.Lys511Gln (NM_001406797.1, NM_001406801.1, NM_001406805.1 and 10 more transcripts); c.1303A>C, p.Lys435Gln (NM_001406799.1, NM_001406806.1, NM_001406807.1); c.1750A>C, p.Lys584Gln (NM_001406804.1); c.1834A>C, p.Lys612Gln (NM_001406813.1); and 1 more; short protein forms K435Q, K642Q, K610Q, K480Q, K511Q, K554Q, K612Q, K308Q.
Identifiers: ClinVar variation 1780873 (VCV001780873.2), dbSNP rs1172760455, ClinGen allele CA346749505.